The following is an entry in ClinVar:

NM_022835.3(PLEKHG2):c.3442del (p.Leu1148fs)

Gene: PLEKHG2 (pleckstrin homology and RhoGEF domain containing G2; plus strand). Cytogenetic location: 19q13.2.
Variant type: Deletion.
Coding change: c.3442del on transcript NM_022835.3 (MANE Select); coding-DNA position 3442, one base deleted (C; older notation c.3442delC).
Protein change: p.Leu1148fs; shifts the reading frame from leucine 1148.
Molecular consequence: frameshift variant. On other transcripts: intron variant (1).
Genome position (GRCh38, 1-based): chr19:39,424,575, C deleted; the last of 4 consecutive C bases (chr19:39,424,572-39,424,575); deleting any one gives the same sequence. VCF-style (leftmost placement, unchanged base first): chr19-39424571-GC-G. GRCh37 (hg19) VCF-style: chr19-39915211-GC-G.
Other names: c.3265del, p.Leu1089fs (NM_001351693.2); c.1678-663del (NM_001351694.2); short protein forms L1148fs, L1089fs.
Identifiers: ClinVar variation 1348606 (VCV001348606.6), dbSNP rs1477824744, ClinGen allele CA882136635.

ClinVar aggregate classification (germline): Uncertain significance (1 of 4 stars; one submission).

Submission:

Labcorp Genetics (formerly Invitae), Labcorp
Classification: Uncertain significance. Last evaluated: 2021-06-30. Review status: criteria provided, single submitter. Criteria: Invitae Variant Classification Sherloc (09022015). Collection method: clinical testing. Allele origin: germline.
Comment: In summary, the available evidence is currently insufficient to determine the role of this variant in disease. Therefore, it has been classified as a Variant of Uncertain Significance. Experimental studies and prediction algorithms are not available or were not evaluated, and the functional significance of this variant is currently unknown. This variant has not been reported in the literature in individuals affected with PLEKHG2-related conditions. This variant is not present in population databases (ExAC no frequency). This sequence change creates a premature translational stop signal (p.Leu1148Cysfs*57) in the PLEKHG2 gene. While this is not anticipated to result in nonsense mediated decay, it is expected to disrupt the last 239 amino acid(s) of the PLEKHG2 protein.